The following is an entry in ClinVar:

NM_172362.3(KCNH1):c.2851C>T (p.Leu951Phe)

Gene: KCNH1 (potassium voltage-gated channel subfamily H member 1; minus strand). Cytogenetic location: 1q32.2.
Variant type: single nucleotide variant.
Coding change: c.2851C>T on transcript NM_172362.3 (MANE Select); coding-DNA position 2851, C replaced by T.
Protein change: p.Leu951Phe; replaces leucine 951 with phenylalanine.
Molecular consequence: missense variant.
Genome position (GRCh38, 1-based): chr1:210,683,400, G>A on the plus strand (C>T on the coding strand, the complement: KCNH1 is on the minus strand). VCF-style: chr1-210683400-G-A. GRCh37 (hg19) VCF-style: chr1-210856742-G-A.
Other names: c.2770C>T, p.Leu924Phe (NM_002238.4); c.2851C>T (NM_172362.2); short protein forms L924F, L951F.
Identifiers: ClinVar variation 2886265 (VCV002886265.4), dbSNP rs1372528985, ClinGen allele CA344870287.
Genomic context (GRCh38, chr1:210,683,400, plus strand): 5'-ACAACTCCTGAGGAGACTGAGAGGATCTTCTGGAAGTTAATATCCTGAGTATCTCAGAGA[G>A]CTGTTTCTCAATATTGGTCATTTTGGCGTTTAAGGCCTTGATGTCCTCCTTCAGCTCGTG-3'
Protein context (NP_758872.1, residues 941-961): NAKMTNIEKQ[Leu951Phe]SEILRILTSR

ClinVar aggregate classification (germline): Uncertain significance. Review status: criteria provided, multiple submitters, no conflicts (2 of 4 stars). 2 submissions from 2 submitters: Uncertain significance (2). Last evaluated 2025-02-18.

Conditions:
Inborn genetic diseases. Identifiers: MedGen C0950123, MeSH D030342.

Allele frequency attached by ClinVar (database versions not stated): gnomAD exomes below 0.00001.

Submissions (2):

Ambry Genetics
Classification: Uncertain significance for Inborn genetic diseases. Last evaluated: 2025-02-18. Review status: criteria provided, single submitter. Criteria: Ambry Variant Classification Scheme 2023. Collection method: clinical testing. Allele origin: germline.

Labcorp Genetics (formerly Invitae), Labcorp
Classification: Uncertain significance. Last evaluated: 2023-09-04. Review status: criteria provided, single submitter. Criteria: Invitae Variant Classification Sherloc (09022015). Collection method: clinical testing. Allele origin: germline.
Comment: This variant has not been reported in the literature in individuals affected with KCNH1-related conditions. In summary, the available evidence is currently insufficient to determine the role of this variant in disease. Therefore, it has been classified as a Variant of Uncertain Significance. Advanced modeling of protein sequence and biophysical properties (such as structural, functional, and spatial information, amino acid conservation, physicochemical variation, residue mobility, and thermodynamic stability) has been performed at Invitae for this missense variant, however the output from this modeling did not meet the statistical confidence thresholds required to predict the impact of this variant on KCNH1 protein function. This variant is present in population databases (no rsID available, gnomAD 0.003%). This sequence change replaces leucine, which is neutral and non-polar, with phenylalanine, which is neutral and non-polar, at codon 951 of the KCNH1 protein (p.Leu951Phe).